The following is an entry in ClinVar:

ClinVar aggregate classification (germline): Uncertain significance. Review status: criteria provided, multiple submitters, no conflicts (2 of 4 stars). 2 submissions from 2 submitters: Uncertain significance (2). Last evaluated 2025-04-24.

Conditions:
Inborn genetic diseases. Identifiers: MedGen C0950123, MeSH D030342.

Allele frequency attached by ClinVar (database versions not stated): TOPMed 0.00006; ExAC 0.00007; ESP Exome Variant Server 0.00015; gnomAD 0.00007.
gnomAD v4.1: 61 of 1,612,046 alleles (0.0038%); highest among the groups gnomAD compares: African/African-American, 0.02%; no homozygotes.

Submissions (2):

Ambry Genetics
Classification: Uncertain significance for Inborn genetic diseases. Last evaluated: 2025-04-24. Review status: criteria provided, single submitter. Criteria: Ambry Variant Classification Scheme 2023. Collection method: clinical testing. Allele origin: germline.

Labcorp Genetics (formerly Invitae), Labcorp
Classification: Uncertain significance. Last evaluated: 2022-06-17. Review status: criteria provided, single submitter. Criteria: Invitae Variant Classification Sherloc (09022015). Collection method: clinical testing. Allele origin: germline.
Comment: In summary, the available evidence is currently insufficient to determine the role of this variant in disease. Therefore, it has been classified as a Variant of Uncertain Significance. Algorithms developed to predict the effect of missense changes on protein structure and function are either unavailable or do not agree on the potential impact of this missense change (SIFT: "Tolerated"; PolyPhen-2: "Possibly Damaging"; Align-GVGD: "Class C0"). This variant has not been reported in the literature in individuals affected with TALDO1-related conditions. This variant is present in population databases (rs139416578, gnomAD 0.02%). This sequence change replaces alanine, which is neutral and non-polar, with threonine, which is neutral and polar, at codon 317 of the TALDO1 protein (p.Ala317Thr).

NM_006755.2(TALDO1):c.949G>A (p.Ala317Thr)

Gene: TALDO1 (transaldolase 1; plus strand). Cytogenetic location: 11p15.5.
Variant type: single nucleotide variant.
Coding change: c.949G>A on transcript NM_006755.2 (MANE Select); coding-DNA position 949, G replaced by A.
Protein change: p.Ala317Thr; replaces alanine 317 with threonine.
Molecular consequence: missense variant.
Genome position (GRCh38, 1-based): chr11:764,401, G>A. VCF-style: chr11-764401-G-A. GRCh37 (hg19) VCF-style: chr11-764401-G-A.
Other names: short protein forms A317T.
Identifiers: ClinVar variation 1904114 (VCV001904114.5), dbSNP rs139416578, ClinGen allele CA5788363.